The following is an entry in ClinVar:

NM_000478.6(ALPL):c.298A>G (p.Thr100Ala)

Gene: ALPL (alkaline phosphatase, biomineralization associated; plus strand). Cytogenetic location: 1p36.12.
Variant type: single nucleotide variant.
Coding change: c.298A>G on transcript NM_000478.6 (MANE Select); coding-DNA position 298, A replaced by G.
Protein change: p.Thr100Ala; replaces threonine 100 with alanine.
Molecular consequence: missense variant.
Genome position (GRCh38, 1-based): chr1:21,563,110, A>G. VCF-style: chr1-21563110-A-G. GRCh37 (hg19) VCF-style: chr1-21889603-A-G.
Other names: c.133A>G, p.Thr45Ala (NM_001127501.4); c.67A>G, p.Thr23Ala (NM_001177520.3); c.298A>G, p.Thr100Ala (NM_001369803.2, NM_001369804.2, NM_001369805.2); short protein forms T100A, T23A, T45A.
Identifiers: ClinVar variation 3895863 (VCV003895863.1).

ClinVar aggregate classification (germline): Uncertain significance (1 of 4 stars; one submission).

Submission:

Women's Health and Genetics/Laboratory Corporation of America, LabCorp
Classification: Uncertain significance. Last evaluated: 2025-03-28. Review status: criteria provided, single submitter. Criteria: LabCorp Variant Classification Summary - May 2015. Collection method: clinical testing. Allele origin: germline.
Comment: Variant summary: ALPL c.298A>G (p.Thr100Ala) results in a non-conservative amino acid change in the encoded protein sequence. Five of five in-silico tools predict a damaging effect of the variant on protein function. Consensus agreement among computation tools predict no significant impact on normal splicing. However, these predictions have yet to be confirmed by functional studies. The variant was absent in 250596 control chromosomes. The available data on variant occurrences in the general population are insufficient to allow any conclusion about variant significance. To our knowledge, no occurrence of c.298A>G in individuals affected with Hypophosphatasia and no experimental evidence demonstrating its impact on protein function have been reported. No submitters have cited clinical-significance assessments for this variant to ClinVar. Based on the evidence outlined above, the variant was classified as uncertain significance.